The following is an entry in ClinVar:

NM_005431.2(XRCC2):c.293A>C (p.His98Pro)

Gene: XRCC2 (X-ray repair cross complementing 2; minus strand). Cytogenetic location: 7q36.1.
Variant type: single nucleotide variant.
Coding change: c.293A>C on transcript NM_005431.2 (MANE Select); coding-DNA position 293, A replaced by C.
Protein change: p.His98Pro; replaces histidine 98 with proline.
Molecular consequence: missense variant.
Genome position (GRCh38, 1-based): chr7:152,649,192, T>G on the plus strand (A>C on the coding strand, the complement: XRCC2 is on the minus strand). VCF-style: chr7-152649192-T-G. GRCh37 (hg19) VCF-style: chr7-152346277-T-G.
Other names: short protein forms H98P.
Identifiers: ClinVar variation 2447653 (VCV002447653.2), dbSNP rs2485881678, ClinGen allele CA370199020.

ClinVar aggregate classification (germline): Uncertain significance (1 of 4 stars; one submission).

Conditions:
Hereditary cancer-predisposing syndrome. Also called: Neoplastic Syndromes, Hereditary; Hereditary Cancer Syndrome; Tumor predisposition; Hereditary neoplastic syndrome. Identifiers: Orphanet 140162, MedGen C0027672, MeSH D009386, MONDO:0015356.

Submission:

Ambry Genetics
Classification: Uncertain significance for Hereditary cancer-predisposing syndrome. Last evaluated: 2022-11-11. Review status: criteria provided, single submitter. Criteria: Ambry Variant Classification Scheme 2023. Collection method: clinical testing. Allele origin: germline.
Comment: The p.H98P variant (also known as c.293A>C), located in coding exon 3 of the XRCC2 gene, results from an A to C substitution at nucleotide position 293. The histidine at codon 98 is replaced by proline, an amino acid with similar properties. This amino acid position is conserved. In addition, this alteration is predicted to be tolerated by in silico analysis. Since supporting evidence is limited at this time, the clinical significance of this alteration remains unclear.